The following is an entry in ClinVar:

ClinVar aggregate classification (germline): Uncertain significance (1 of 4 stars; one submission).

Conditions:
Long QT syndrome (LQTS). Identifiers: MedGen C0023976, MeSH D008133, MONDO:0002442. Disease mechanism: loss of function. Inheritance: Various modes of inheritance.

Submission:

Labcorp Genetics (formerly Invitae), Labcorp
Classification: Uncertain significance for Long QT syndrome. Last evaluated: 2024-08-20. Review status: criteria provided, single submitter. Criteria: Invitae Variant Classification Sherloc (09022015). Collection method: clinical testing. Allele origin: germline.
Comment: This sequence change replaces glutamine, which is neutral and polar, with proline, which is neutral and non-polar, at codon 153 of the SNTA1 protein (p.Gln153Pro). This variant is not present in population databases (gnomAD no frequency). This variant has not been reported in the literature in individuals affected with SNTA1-related conditions. Invitae Evidence Modeling of protein sequence and biophysical properties (such as structural, functional, and spatial information, amino acid conservation, physicochemical variation, residue mobility, and thermodynamic stability) indicates that this missense variant is expected to disrupt SNTA1 protein function with a positive predictive value of 80%. In summary, the available evidence is currently insufficient to determine the role of this variant in disease. Therefore, it has been classified as a Variant of Uncertain Significance.

NM_003098.3(SNTA1):c.458A>C (p.Gln153Pro)

Genes: SNTA1 (syntrophin alpha 1; minus strand), LOC130065678 (ATAC-STARR-seq lymphoblastoid active region 17731; plus strand). Cytogenetic location: 20q11.21.
Variant type: single nucleotide variant.
Coding change: c.458A>C on transcript NM_003098.3 (MANE Select); coding-DNA position 458, A replaced by C.
Protein change: p.Gln153Pro; replaces glutamine 153 with proline.
Molecular consequence: missense variant.
Genome position (GRCh38, 1-based): chr20:33,438,879, T>G on the plus strand (A>C on the coding strand, the complement: SNTA1 is on the minus strand). VCF-style: chr20-33438879-T-G. GRCh37 (hg19) VCF-style: chr20-32026685-T-G.
Other names: c.458A>C, p.Gln153Pro (NM_001424413.1, NM_001424414.1); short protein forms Q153P.
Identifiers: ClinVar variation 3713415 (VCV003713415.2).